The following is an entry in ClinVar:

NM_005612.5(REST):c.1865A>G (p.Gln622Arg)

Gene: REST (RE1 silencing transcription factor; plus strand). Cytogenetic location: 4q12.
Variant type: single nucleotide variant.
Coding change: c.1865A>G on transcript NM_005612.5 (MANE Select); coding-DNA position 1865, A replaced by G.
Protein change: p.Gln622Arg; replaces glutamine 622 with arginine.
Molecular consequence: missense variant.
Genome position (GRCh38, 1-based): chr4:56,930,723, A>G. VCF-style: chr4-56930723-A-G. GRCh37 (hg19) VCF-style: chr4-57796889-A-G.
Other names: c.1865A>G, p.Gln622Arg (NM_001193508.2, NM_001363453.3); short protein forms Q622R.
Identifiers: ClinVar variation 1427511 (VCV001427511.8), dbSNP rs763755642, ClinGen allele CA2932334.
Genomic context (GRCh38, chr4:56,930,723, plus strand): 5'-AGAAGGGATCTGCTCAGATGGACCCTCCTCAGATGGGGCCTGCTCCCACAGAGGCGGTTC[A>G]GAAGGGGCCCGTTCAGGTGGAGCCGCCACCTCCCATGGAGCATGCTCAGATGGAGGGTGC-3'
Protein context (NP_005603.3, residues 612-632): QMGPAPTEAV[Gln622Arg]KGPVQVEPPP

ClinVar aggregate classification (germline): Uncertain significance (1 of 4 stars; one submission).

Allele frequency attached by ClinVar (database versions not stated): gnomAD exomes below 0.00001 and 0.00001; TOPMed below 0.00001; ExAC 0.00001.
gnomAD v4.1: 2 of 1,603,518 alleles (0.00012%); no homozygotes.

Submission:

Labcorp Genetics (formerly Invitae), Labcorp
Classification: Uncertain significance. Last evaluated: 2021-01-09. Review status: criteria provided, single submitter. Criteria: Invitae Variant Classification Sherloc (09022015). Collection method: clinical testing. Allele origin: germline.
Comment: This variant is present in population databases (rs763755642, ExAC 0.002%). This sequence change replaces glutamine with arginine at codon 622 of the REST protein (p.Gln622Arg). The glutamine residue is weakly conserved and there is a small physicochemical difference between glutamine and arginine. This variant has not been reported in the literature in individuals with REST-related conditions. In summary, the available evidence is currently insufficient to determine the role of this variant in disease. Therefore, it has been classified as a Variant of Uncertain Significance. Algorithms developed to predict the effect of missense changes on protein structure and function (SIFT, PolyPhen-2, Align-GVGD) all suggest that this variant is likely to be tolerated, but these predictions have not been confirmed by published functional studies and their clinical significance is uncertain.